The following is an entry in ClinVar:

ClinVar aggregate classification (germline): Uncertain significance. Review status: criteria provided, multiple submitters, no conflicts (2 of 4 stars). 2 submissions from 2 submitters: Uncertain significance (2). Last evaluated 2025-05-24.

Conditions:
Charcot-Marie-Tooth Neuropathy X. Identifiers: MedGen CN118851.

Submissions (2):

Labcorp Genetics (formerly Invitae), Labcorp
Classification: Uncertain significance for Charcot-Marie-Tooth Neuropathy X. Last evaluated: 2025-05-24. Review status: criteria provided, single submitter. Criteria: Invitae Variant Classification Sherloc (09022015). Collection method: clinical testing. Allele origin: germline.
Comment: This sequence change replaces serine, which is neutral and polar, with asparagine, which is neutral and polar, at codon 58 of the PRPS1 protein (p.Ser58Asn). This variant is not present in population databases (gnomAD no frequency). This variant has not been reported in the literature in individuals affected with PRPS1-related conditions. ClinVar contains an entry for this variant (Variation ID: 1804256). Invitae Evidence Modeling of protein sequence and biophysical properties (such as structural, functional, and spatial information, amino acid conservation, physicochemical variation, residue mobility, and thermodynamic stability) indicates that this missense variant is not expected to disrupt PRPS1 protein function with a negative predictive value of 80%. In summary, the available evidence is currently insufficient to determine the role of this variant in disease. Therefore, it has been classified as a Variant of Uncertain Significance.

GeneDx
Classification: Uncertain significance. Last evaluated: 2023-10-06. Review status: criteria provided, single submitter. Criteria: GeneDx Variant Classification Process June 2021. Collection method: clinical testing. Allele origin: germline.
Comment: Not observed at significant frequency in large population cohorts (gnomAD); In silico analysis supports that this missense variant has a deleterious effect on protein structure/function; Has not been previously published as pathogenic or benign to our knowledge

NM_002764.4(PRPS1):c.173G>A (p.Ser58Asn)

Gene: PRPS1 (phosphoribosyl pyrophosphate synthetase 1; plus strand). Cytogenetic location: Xq22.3.
Variant type: single nucleotide variant.
Coding change: c.173G>A on transcript NM_002764.4 (MANE Select); coding-DNA position 173, G replaced by A.
Protein change: p.Ser58Asn; replaces serine 58 with asparagine.
Molecular consequence: missense variant. On other transcripts: intron variant (1).
Genome position (GRCh38, 1-based): chrX:107,639,345, G>A. VCF-style: chrX-107639345-G-A. GRCh37 (hg19) VCF-style: chrX-106882575-G-A.
Other names: c.-82-5832G>A (NM_001204402.2); short protein forms S58N.
Identifiers: ClinVar variation 1804256 (VCV001804256.4), dbSNP rs2521336548, ClinGen allele CA413804628.